The following is an entry in ClinVar:

ClinVar aggregate classification (germline): Uncertain significance. Review status: criteria provided, multiple submitters, no conflicts (2 of 4 stars). 2 submissions from 2 submitters: Uncertain significance (2). Last evaluated 2025-07-13.

Conditions:
Autosomal recessive osteopetrosis 1. Also called: TCIRG1-Related Autosomal Recessive Osteopetrosis; TCIRG1-Related Osteopetrosis; ALBERS-SCHONBERG DISEASE, AUTOSOMAL RECESSIVE. Identifiers: Orphanet 667, MedGen C1850127, MONDO:0009815, OMIM 259700.

Allele frequency attached by ClinVar (database versions not stated): ExAC 0.00005; TOPMed 0.00005; ESP Exome Variant Server 0.00008.
gnomAD v4.1: 47 of 1,604,968 alleles (0.0029%); highest among the groups gnomAD compares: Non-Finnish European, 0.0037%; no homozygotes.

Submissions (2):

Labcorp Genetics (formerly Invitae), Labcorp
Classification: Uncertain significance. Last evaluated: 2025-07-13. Review status: criteria provided, single submitter. Criteria: Invitae Variant Classification Sherloc (09022015). Collection method: clinical testing. Allele origin: germline.
Comment: This sequence change replaces glutamic acid, which is acidic and polar, with lysine, which is basic and polar, at codon 321 of the TCIRG1 protein (p.Glu321Lys). The frequency data for this variant in the population databases is considered unreliable, as metrics indicate poor data quality at this position in the gnomAD database. This variant has not been reported in the literature in individuals affected with TCIRG1-related conditions. ClinVar contains an entry for this variant (Variation ID: 2150582). Invitae Evidence Modeling of protein sequence and biophysical properties (such as structural, functional, and spatial information, amino acid conservation, physicochemical variation, residue mobility, and thermodynamic stability) indicates that this missense variant is not expected to disrupt TCIRG1 protein function with a negative predictive value of 80%. In summary, the available evidence is currently insufficient to determine the role of this variant in disease. Therefore, it has been classified as a Variant of Uncertain Significance.

Revvity Omics, Revvity
Classification: Uncertain significance for Autosomal recessive osteopetrosis 1. Last evaluated: 2022-04-26. Review status: criteria provided, single submitter. Criteria: ACMG Guidelines, 2015. Collection method: clinical testing. Allele origin: germline.

NM_006019.4(TCIRG1):c.961G>A (p.Glu321Lys)

Gene: TCIRG1 (T cell immune regulator 1, ATPase H+ transporting V0 subunit a3; plus strand). Cytogenetic location: 11q13.2.
Variant type: single nucleotide variant.
Coding change: c.961G>A on transcript NM_006019.4 (MANE Select); coding-DNA position 961, G replaced by A.
Protein change: p.Glu321Lys; replaces glutamic acid 321 with lysine.
Molecular consequence: missense variant.
Genome position (GRCh38, 1-based): chr11:68,044,285, G>A. VCF-style: chr11-68044285-G-A. GRCh37 (hg19) VCF-style: chr11-67811752-G-A.
Other names: c.67G>A, p.Glu23Lys (NM_001351059.2); c.313G>A, p.Glu105Lys (NM_006053.4); short protein forms E105K, E23K, E321K.
Identifiers: ClinVar variation 2150582 (VCV002150582.6), dbSNP rs372690969, ClinGen allele CA6146853.